The following is an entry in ClinVar:

NM_001830.4(CLCN4):c.532G>A (p.Ala178Thr)

Gene: CLCN4 (chloride voltage-gated channel 4; plus strand). Cytogenetic location: Xp22.2.
Variant type: single nucleotide variant.
Coding change: c.532G>A on transcript NM_001830.4 (MANE Select); coding-DNA position 532, G replaced by A.
Protein change: p.Ala178Thr; replaces alanine 178 with threonine.
Molecular consequence: missense variant.
Genome position (GRCh38, 1-based): chrX:10,198,038, G>A. VCF-style: chrX-10198038-G-A. GRCh37 (hg19) VCF-style: chrX-10166078-G-A.
Other names: c.250G>A, p.Ala84Thr (NM_001256944.2); short protein forms A178T, A84T.
Identifiers: ClinVar variation 1713344 (VCV001713344.5), dbSNP rs2518879780, ClinGen allele CA412035054.

ClinVar aggregate classification (germline): Uncertain significance (1 of 4 stars; one submission).

Submission:

Labcorp Genetics (formerly Invitae), Labcorp
Classification: Uncertain significance. Last evaluated: 2022-07-22. Review status: criteria provided, single submitter. Criteria: Invitae Variant Classification Sherloc (09022015). Collection method: clinical testing. Allele origin: germline.
Comment: This variant has not been reported in the literature in individuals affected with CLCN4-related conditions. In summary, the available evidence is currently insufficient to determine the role of this variant in disease. Therefore, it has been classified as a Variant of Uncertain Significance. Algorithms developed to predict the effect of missense changes on protein structure and function are either unavailable or do not agree on the potential impact of this missense change (SIFT: "Deleterious"; PolyPhen-2: "Probably Damaging"; Align-GVGD: "Class C0"). This variant is not present in population databases (gnomAD no frequency). This sequence change replaces alanine, which is neutral and non-polar, with threonine, which is neutral and polar, at codon 178 of the CLCN4 protein (p.Ala178Thr).